The following is an entry in ClinVar:

ClinVar aggregate classification (germline): Pathogenic. Review status: criteria provided, multiple submitters, no conflicts (2 of 4 stars). 6 submissions from 6 submitters: Pathogenic (6). Last evaluated 2024-12-30.

Conditions:
Hereditary cancer-predisposing syndrome. Also called: Neoplastic Syndromes, Hereditary; Hereditary neoplastic syndrome; Hereditary Cancer Syndrome; Tumor predisposition. Identifiers: Orphanet 140162, MedGen C0027672, MeSH D009386, MONDO:0015356.
BAP1-related tumor predisposition syndrome (TPDS1). Also called: TUMOR PREDISPOSITION SYNDROME 1; COMMON Syndrome; Tumor susceptibility linked to germline BAP1 mutations; BAP1 tumor predisposition syndrome. Identifiers: Orphanet 289539, MedGen C3280492, MONDO:0013692, OMIM 614327.

Submissions (6):

Labcorp Genetics (formerly Invitae), Labcorp
Classification: Pathogenic for BAP1-related tumor predisposition syndrome. Last evaluated: 2024-12-30. Review status: criteria provided, single submitter. Criteria: Invitae Variant Classification Sherloc (09022015). Collection method: clinical testing. Allele origin: germline.
Comment: This sequence change creates a premature translational stop signal (p.Glu402*) in the BAP1 gene. It is expected to result in an absent or disrupted protein product. Loss-of-function variants in BAP1 are known to be pathogenic (PMID: 21874000, 23684012). This variant is not present in population databases (gnomAD no frequency). This premature translational stop signal has been observed in individual(s) with uveal melanoma (PMID: 30477459). ClinVar contains an entry for this variant (Variation ID: 449856). For these reasons, this variant has been classified as Pathogenic.

Genetic Services Laboratory, University of Chicago
Classification: Pathogenic. Last evaluated: 2024-08-16. Review status: criteria provided, single submitter. Criteria: ACMG Guidelines, 2015. Collection method: clinical testing. Allele origin: germline. Affected: yes.
Comment: DNA sequence analysis of the BAP1 gene demonstrated a sequence change, c.1203dup, which results in the creation of a premature stop codon at amino acid position 402, p.Glu402*. This sequence change is predicted to result in an abnormal transcript, which may be degraded, or may lead to the production of a truncated BAP1 protein with potentially abnormal function. This sequence change has not been described in population databases such as ExAC and gnomAD. This sequence change has previously been described in individual(s) with uveal melanoma (PMID: 30477459) and familial and early-onset malignant mesothelioma (PMID: 30376426). Loss of function variants in this gene have been reported in BAP1-related cancers and are known to be pathogenic (PMID: 21874000, 23684012). These collective evidences indicate that this sequence change is pathogenic, however functional studies have not been performed to prove this conclusively.

Ambry Genetics
Classification: Pathogenic for Hereditary cancer-predisposing syndrome. Last evaluated: 2024-05-01. Review status: criteria provided, single submitter. Criteria: Ambry Variant Classification Scheme 2023. Collection method: clinical testing. Allele origin: germline.
Comment: The c.1203dupT pathogenic mutation, located in coding exon 12 of the BAP1 gene, results from a duplication of T at nucleotide position 1203, causing a translational frameshift with a predicted alternate stop codon (p.E402*). This variant is considered to be rare based on population cohorts in the Genome Aggregation Database (gnomAD). This alteration is expected to result in loss of function by premature protein truncation or nonsense-mediated mRNA decay. As such, this alteration is interpreted as a disease-causing mutation.

GeneDx
Classification: Pathogenic. Last evaluated: 2023-07-05. Review status: criteria provided, single submitter. Criteria: GeneDx Variant Classification Process June 2021. Collection method: clinical testing. Allele origin: germline. Affected: yes.
Comment: Nonsense variant predicted to result in protein truncation or nonsense mediated decay in a gene for which loss-of-function is a known mechanism of disease; Not observed at significant frequency in large population cohorts (gnomAD); This variant is associated with the following publications: (PMID: 26484545, 25501392, 21051595, 27535533, 30477459)

Myriad Genetics, Inc.
Classification: Pathogenic for BAP1-related tumor predisposition syndrome. Last evaluated: 2023-05-17. Review status: criteria provided, single submitter. Criteria: Myriad Autosomal Dominant, Autosomal Recessive and X-Linked Classification Criteria (2023). Collection method: clinical testing. Allele origin: unknown.
Comment: This variant is considered pathogenic. This variant creates a termination codon and is predicted to result in premature protein truncation.

Baylor Genetics
Classification: Pathogenic for BAP1-related tumor predisposition syndrome. Last evaluated: 2022-02-09. Review status: criteria provided, single submitter. Criteria: ACMG Guidelines, 2015. Collection method: clinical testing. Allele origin: unknown.

Literature cited by the submitters: PubMed 21874000 (cited by Labcorp Genetics (formerly Invitae), Labcorp); PubMed 23684012 (cited by Labcorp Genetics (formerly Invitae), Labcorp); PubMed 30477459 (cited by Labcorp Genetics (formerly Invitae), Labcorp).

NM_004656.4(BAP1):c.1203dup (p.Glu402Ter)

Gene: BAP1 (BRCA1 associated deubiquitinase 1; minus strand). Cytogenetic location: 3p21.1.
Variant type: Duplication.
Coding change: c.1203dup on transcript NM_004656.4 (MANE Select); coding-DNA position 1203, one base duplicated (T; older notation c.1203dupT).
Protein change: p.Glu402Ter; replaces glutamic acid 402 with a stop codon.
Molecular consequence: nonsense.
Genome position (GRCh38, 1-based): chr3:52,404,500, A duplicated on the plus strand (T on the coding strand, the reverse complement: BAP1 is on the minus strand). VCF-style (leftmost placement, unchanged base first): chr3-52404499-C-CA. GRCh37 (hg19) VCF-style: chr3-52438515-C-CA.
Other names: c.1203dup (LRG_529t1); c.1203dupT (NM_004656.2, NM_004656.3); short protein forms E402*.
Identifiers: ClinVar variation 449856 (VCV000449856.20), dbSNP rs1553645126, ClinGen allele CA658657309.